The following is an entry in ClinVar:

NM_005993.5(TBCD):c.2702G>A (p.Arg901His)

Gene: TBCD (tubulin folding cofactor D). Cytogenetic location: 17q25.3.
Variant type: single nucleotide variant.
Coding change: c.2702G>A on transcript NM_005993.5 (MANE Select); coding-DNA position 2702, G replaced by A.
Protein change: p.Arg901His; replaces arginine 901 with histidine.
Molecular consequence: missense variant.
Genome position (GRCh38, 1-based): chr17:82,929,121, G>A. VCF-style: chr17-82929121-G-A. GRCh37 (hg19) VCF-style: chr17-80886997-G-A.
Other names: short protein forms R901H.
Identifiers: ClinVar variation 1438353 (VCV001438353.3), dbSNP rs1312399549, ClinGen allele CA401634502.

ClinVar aggregate classification (germline): Uncertain significance (1 of 4 stars; one submission).

Allele frequency attached by ClinVar (database versions not stated): gnomAD exomes below 0.00001.
gnomAD v4.1: 2 of 1,610,264 alleles (0.00012%); highest among the groups gnomAD compares: South Asian, 0.0011%; no homozygotes.

Submission:

Labcorp Genetics (formerly Invitae), Labcorp
Classification: Uncertain significance. Last evaluated: 2022-07-12. Review status: criteria provided, single submitter. Criteria: Invitae Variant Classification Sherloc (09022015). Collection method: clinical testing. Allele origin: germline.
Comment: This sequence change replaces arginine, which is basic and polar, with histidine, which is basic and polar, at codon 901 of the TBCD protein (p.Arg901His). The frequency data for this variant in the population databases is considered unreliable, as metrics indicate poor data quality at this position in the gnomAD database. This variant has not been reported in the literature in individuals affected with TBCD-related conditions. ClinVar contains an entry for this variant (Variation ID: 1438353). Algorithms developed to predict the effect of missense changes on protein structure and function are either unavailable or do not agree on the potential impact of this missense change (SIFT: "Tolerated"; PolyPhen-2: "Possibly Damaging"; Align-GVGD: "Class C0"). In summary, the available evidence is currently insufficient to determine the role of this variant in disease. Therefore, it has been classified as a Variant of Uncertain Significance.